The following is an entry in ClinVar:

ClinVar aggregate classification (germline): Pathogenic (1 of 4 stars; one submission).

Conditions:
Kleefstra syndrome 1 (KLEFS1). Identifiers: Orphanet 261494, MedGen C0795833, MONDO:0027407, OMIM 610253.

Submission:

Laboratory of Genetics, Children's Clinical University Hospital Latvia
Classification: Pathogenic for Kleefstra syndrome 1. Review status: criteria provided, single submitter. Criteria: ACMG Guidelines, 2015. Collection method: curation. Allele origin: de novo. Affected: yes.
Comment: de novo

Literature cited by the submitters: PubMed 39013458.

NM_024757.5(EHMT1):c.3703_3704del (p.Gly1235fs)

Gene: EHMT1 (euchromatic histone lysine methyltransferase 1; plus strand). Cytogenetic location: 9q34.3.
Variant type: Deletion.
Coding change: c.3703_3704del on transcript NM_024757.5 (MANE Select); coding-DNA positions 3703 to 3704, 2 bases deleted (GG; older notation c.3703_3704delGG).
Protein change: p.Gly1235fs; shifts the reading frame from glycine 1235.
Molecular consequence: frameshift variant.
Genome position (GRCh38, 1-based): chr9:137,834,511-137,834,512, GG deleted. VCF-style (leftmost placement, unchanged base first): chr9-137834510-CGG-C. GRCh37 (hg19) VCF-style: chr9-140728962-CGG-C.
Other names: c.3682_3683del, p.Gly1228fs (NM_001354263.2); short protein forms G1228fs, G1235fs.
Identifiers: ClinVar variation 3236883 (VCV003236883.1).
Genomic context (GRCh38, chr9:137,834,510, plus strand): 5'-GGCCCACCAGGACCTGCGGTTCCCCCGGATCGCCTTCTTCAGCACCCGCCTGATCGAGGC[CGG>C]CGAGCAGCTCGGGTACGCACCGCCCCGGCCCCTGGCCATCTCCGCTGCCGGCGGGACGGT-3'